The following is an entry in ClinVar:

NM_017636.4(TRPM4):c.1216G>A (p.Val406Met)

Gene: TRPM4 (transient receptor potential cation channel subfamily M member 4; plus strand). Cytogenetic location: 19q13.33.
Variant type: single nucleotide variant.
Coding change: c.1216G>A on transcript NM_017636.4 (MANE Select); coding-DNA position 1216, G replaced by A.
Protein change: p.Val406Met; replaces valine 406 with methionine.
Molecular consequence: missense variant. On other transcripts: 5 prime UTR variant (1), intron variant (1).
Genome position (GRCh38, 1-based): chr19:49,181,414, G>A. VCF-style: chr19-49181414-G-A. GRCh37 (hg19) VCF-style: chr19-49684671-G-A.
Other names: c.1216G>A, p.Val406Met (NM_001195227.2); c.871G>A, p.Val291Met (NM_001321281.2); c.-338G>A (NM_001321282.2); c.694G>A, p.Val232Met (NM_001321283.2); c.202-1164G>A (NM_001321285.2); short protein forms V232M, V291M, V406M.
Identifiers: ClinVar variation 1058601 (VCV001058601.14), dbSNP rs188677941, ClinGen allele CA9569125.

ClinVar aggregate classification (germline): Uncertain significance. Review status: criteria provided, multiple submitters, no conflicts (2 of 4 stars). 3 submissions from 3 submitters: Uncertain significance (3). Last evaluated 2025-09-25.

Conditions:
Cardiovascular phenotype. Identifiers: MedGen CN230736.
Progressive familial heart block type IB (PFHB1B). Identifiers: Orphanet 871, MedGen C1970298, MONDO:0011474, OMIM 604559.

Allele frequency attached by ClinVar (database versions not stated): gnomAD 0.00001 and 0.00002; gnomAD exomes 0.00001 and 0.00002; TOPMed 0.00001; ExAC 0.00002; 1000 Genomes Project 30x 0.00016; 1000 Genomes Project 0.00020.
gnomAD v4.1: 24 of 1,613,906 alleles (0.0015%); highest among the groups gnomAD compares: Admixed American, 0.01%; no homozygotes.

Submissions (3):

Ambry Genetics
Classification: Uncertain significance for Cardiovascular phenotype. Last evaluated: 2025-09-25. Review status: criteria provided, single submitter. Criteria: Ambry Variant Classification Scheme 2023. Collection method: clinical testing. Allele origin: germline.
Comment: The p.V406M variant (also known as c.1216G>A), located in coding exon 10 of the TRPM4 gene, results from a G to A substitution at nucleotide position 1216. The valine at codon 406 is replaced by methionine, an amino acid with highly similar properties. This amino acid position is well conserved in available vertebrate species. In addition, the in silico prediction for this alteration is inconclusive. Since supporting evidence is limited at this time, the clinical significance of this alteration remains unclear.

Labcorp Genetics (formerly Invitae), Labcorp
Classification: Uncertain significance for Progressive familial heart block type IB. Last evaluated: 2025-09-22. Review status: criteria provided, single submitter. Criteria: Invitae Variant Classification Sherloc (09022015). Collection method: clinical testing. Allele origin: germline.
Comment: This sequence change replaces valine, which is neutral and non-polar, with methionine, which is neutral and non-polar, at codon 406 of the TRPM4 protein (p.Val406Met). This variant is present in population databases (rs188677941, gnomAD 0.003%). This variant has not been reported in the literature in individuals affected with TRPM4-related conditions. ClinVar contains an entry for this variant (Variation ID: 1058601). An algorithm developed to predict the effect of missense changes on protein structure and function (PolyPhen-2) suggests that this variant is likely to be disruptive. In summary, the available evidence is currently insufficient to determine the role of this variant in disease. Therefore, it has been classified as a Variant of Uncertain Significance.

Breakthrough Genomics
Classification: Uncertain significance. Review status: criteria provided, single submitter. Criteria: ACMG Guidelines, 2015. Collection method: not provided. Allele origin: germline. Inheritance: Autosomal dominant inheritance. Affected: yes.